The following is an entry in ClinVar:

NM_001276345.2(TNNT2):c.309G>T (p.Lys103Asn)

Gene: TNNT2 (troponin T2, cardiac type; minus strand). Cytogenetic location: 1q32.1.
Variant type: single nucleotide variant.
Coding change: c.309G>T on transcript NM_001276345.2 (MANE Select); coding-DNA position 309, G replaced by T.
Protein change: p.Lys103Asn; replaces lysine 103 with asparagine.
Molecular consequence: missense variant. On other transcripts: intron variant (1).
Genome position (GRCh38, 1-based): chr1:201,365,293, C>A on the plus strand (G>T on the coding strand, the complement: TNNT2 is on the minus strand). VCF-style: chr1-201365293-C-A. GRCh37 (hg19) VCF-style: chr1-201334421-C-A.
Other names: c.309G>T, p.Lys103Asn (NM_000364.4); c.279G>T, p.Lys93Asn (NM_001001430.3, NM_001001431.3, NM_001276347.2); c.264G>T, p.Lys88Asn (NM_001001432.3); c.291+317G>T (NM_001276346.2); short protein forms K103N, K93N, K88N.
Identifiers: ClinVar variation 264318 (VCV000264318.11), dbSNP rs778426227, ClinGen allele CA10587420.

ClinVar aggregate classification (germline): Conflicting classifications of pathogenicity. Review status: criteria provided, conflicting classifications (1 of 4 stars). 2 submissions from 2 submitters: Likely pathogenic (1); Uncertain significance (1). Last evaluated 2026-03-06.

Conditions:
Hypertrophic cardiomyopathy 2. Also called: TNNT2-Related Familial Hypertrophic Cardiomyopathy. Identifiers: MedGen C1861864, MONDO:0007266, OMIM 115195.
Dilated cardiomyopathy 1D. Identifiers: Orphanet 154, Orphanet 54260, MedGen C1832243, MONDO:0011095, OMIM 601494.
Cardiomyopathy, familial restrictive, 3. Identifiers: Orphanet 75249, MedGen C2676271, MONDO:0012900, OMIM 612422.
Cardiovascular phenotype. Identifiers: MedGen CN230736.

Submissions (2):

Ambry Genetics
Classification: Uncertain significance for Cardiovascular phenotype. Last evaluated: 2026-03-06. Review status: criteria provided, single submitter. Criteria: Ambry Variant Classification Scheme 2023. Collection method: clinical testing. Allele origin: germline.
Comment: The p.K93N variant (also known as c.279G>T), located in coding exon 8 of the TNNT2 gene, results from a G to T substitution at nucleotide position 279. The lysine at codon 93 is replaced by asparagine, an amino acid with similar properties. This variant was determined to be de novo in at least one individual with features consistent with TNNT2-related cardiomyopathy (external communication). This amino acid position is highly conserved in available vertebrate species. In addition, this alteration is predicted to be deleterious by in silico analysis. Based on the available evidence, the clinical significance of this variant remains unclear.

Labcorp Genetics (formerly Invitae), Labcorp
Classification: Likely pathogenic for Cardiomyopathy, familial restrictive, 3; Hypertrophic cardiomyopathy 2; Dilated cardiomyopathy 1D. Last evaluated: 2024-11-12. Review status: criteria provided, single submitter. Criteria: Invitae Variant Classification Sherloc (09022015). Collection method: clinical testing. Allele origin: germline.
Comment: This sequence change replaces lysine, which is basic and polar, with asparagine, which is neutral and polar, at codon 93 of the TNNT2 protein (p.Lys93Asn). This variant is not present in population databases (gnomAD no frequency). This missense change has been observed in individual(s) with clinical features of TNNT2-related conditions (internal data). In at least one individual the variant was observed to be de novo. ClinVar contains an entry for this variant (Variation ID: 264318). Invitae Evidence Modeling of protein sequence and biophysical properties (such as structural, functional, and spatial information, amino acid conservation, physicochemical variation, residue mobility, and thermodynamic stability) has been performed for this missense variant. However, the output from this modeling did not meet the statistical confidence thresholds required to predict the impact of this variant on TNNT2 protein function. In summary, the currently available evidence indicates that the variant is pathogenic, but additional data are needed to prove that conclusively. Therefore, this variant has been classified as Likely Pathogenic.